The following is an entry in ClinVar:

NM_003873.7(NRP1):c.1520A>G (p.Glu507Gly)

Gene: NRP1 (neuropilin 1; minus strand). Cytogenetic location: 10p11.22.
Variant type: single nucleotide variant.
Coding change: c.1520A>G on transcript NM_003873.7 (MANE Select); coding-DNA position 1520, A replaced by G.
Protein change: p.Glu507Gly; replaces glutamic acid 507 with glycine.
Molecular consequence: missense variant. On other transcripts: non-coding transcript variant (1).
Genome position (GRCh38, 1-based): chr10:33,213,480, T>C on the plus strand (A>G on the coding strand, the complement: NRP1 is on the minus strand). VCF-style: chr10-33213480-T-C. GRCh37 (hg19) VCF-style: chr10-33502408-T-C.
Other names: c.1520A>G, p.Glu507Gly (NM_001024628.3, NM_001024629.3, NM_001244972.2 and 2 more transcripts); short protein forms E507G.
Identifiers: ClinVar variation 4996916 (VCV004996916.1).

ClinVar aggregate classification (germline): Uncertain significance (1 of 4 stars; one submission).

Conditions:
NRP1-related disorder. Also called: NRP1-related condition.

Submission:

PreventionGenetics, part of Exact Sciences
Classification: Uncertain significance for NRP1-related condition. Last evaluated: 2025-07-31. Review status: criteria provided, single submitter. Criteria: ACMG Guidelines, 2015. Collection method: clinical testing. Allele origin: germline.
Comment: The NRP1 c.1520A>G variant is predicted to result in the amino acid substitution p.Glu507Gly. To our knowledge, this variant has not been reported in the literature or in a large population database (gnomAD), indicating this variant is rare. At this time, the clinical significance of this variant is uncertain due to the absence of conclusive functional and genetic evidence.